The following is an entry in ClinVar:

ClinVar aggregate classification (germline): Conflicting classifications of pathogenicity. Review status: criteria provided, conflicting classifications (1 of 4 stars). 3 submissions from 3 submitters: Uncertain significance (2); Benign (1). Last evaluated 2025-09-22.

Conditions:
Hereditary cancer-predisposing syndrome. Also called: Neoplastic Syndromes, Hereditary; Tumor predisposition; Hereditary Cancer Syndrome; Hereditary neoplastic syndrome. Identifiers: Orphanet 140162, MedGen C0027672, MeSH D009386, MONDO:0015356.
BAP1-related tumor predisposition syndrome (TPDS1). Also called: Tumor susceptibility linked to germline BAP1 mutations; BAP1 tumor predisposition syndrome; COMMON Syndrome; TUMOR PREDISPOSITION SYNDROME 1. Identifiers: Orphanet 289539, MedGen C3280492, MONDO:0013692, OMIM 614327.

Submissions (3):

Ambry Genetics
Classification: Benign for Hereditary cancer-predisposing syndrome. Last evaluated: 2025-09-22. Review status: criteria provided, single submitter. Criteria: Ambry Variant Classification Scheme 2023. Collection method: clinical testing. Allele origin: germline.

Labcorp Genetics (formerly Invitae), Labcorp
Classification: Uncertain significance for BAP1-related tumor predisposition syndrome. Last evaluated: 2024-10-01. Review status: criteria provided, single submitter. Criteria: Invitae Variant Classification Sherloc (09022015). Collection method: clinical testing. Allele origin: germline.
Comment: This sequence change replaces alanine, which is neutral and non-polar, with serine, which is neutral and polar, at codon 428 of the BAP1 protein (p.Ala428Ser). This variant is not present in population databases (gnomAD no frequency). This variant has not been reported in the literature in individuals affected with BAP1-related conditions. ClinVar contains an entry for this variant (Variation ID: 485275). Invitae Evidence Modeling of protein sequence and biophysical properties (such as structural, functional, and spatial information, amino acid conservation, physicochemical variation, residue mobility, and thermodynamic stability) indicates that this missense variant is not expected to disrupt BAP1 protein function with a negative predictive value of 80%. In summary, the available evidence is currently insufficient to determine the role of this variant in disease. Therefore, it has been classified as a Variant of Uncertain Significance.

Color Diagnostics, LLC DBA Color Health
Classification: Uncertain significance for Hereditary cancer-predisposing syndrome. Last evaluated: 2024-03-06. Review status: criteria provided, single submitter. Criteria: ACMG Guidelines, 2015. Collection method: clinical testing. Allele origin: germline.
Comment: This missense variant replaces alanine with serine at codon 428 of the BAP1 protein. Computational prediction tool suggests that this variant may not impact protein structure and function (internally defined REVEL score threshold <=0.5, PMID: 27666373). Splice site prediction tools suggest that this variant may not impact RNA splicing. To our knowledge, functional studies have not been performed for this variant. This variant has not been reported in individuals affected with hereditary cancer in the literature. This variant has not been identified in the general population by the Genome Aggregation Database (gnomAD). The available evidence is insufficient to determine the role of this variant in disease conclusively. Therefore, this variant is classified as a Variant of Uncertain Significance.

Literature cited by the submitters: PubMed 38969833 (cited by Ambry Genetics).

NM_004656.4(BAP1):c.1282G>T (p.Ala428Ser)

Gene: BAP1 (BRCA1 associated deubiquitinase 1; minus strand). Cytogenetic location: 3p21.1.
Variant type: single nucleotide variant.
Coding change: c.1282G>T on transcript NM_004656.4 (MANE Select); coding-DNA position 1282, G replaced by T.
Protein change: p.Ala428Ser; replaces alanine 428 with serine.
Molecular consequence: missense variant.
Genome position (GRCh38, 1-based): chr3:52,403,863, C>A on the plus strand (G>T on the coding strand, the complement: BAP1 is on the minus strand). VCF-style: chr3-52403863-C-A. GRCh37 (hg19) VCF-style: chr3-52437879-C-A.
Other names: c.1282G>T (LRG_529t1); short protein forms A428S.
Identifiers: ClinVar variation 485275 (VCV000485275.18), dbSNP rs371601284, ClinGen allele CA353102356.